The following is an entry in ClinVar:

NM_000018.4(ACADVL):c.1316G>T (p.Gly439Val)

Gene: ACADVL (acyl-CoA dehydrogenase very long chain; plus strand). Cytogenetic location: 17p13.1.
Variant type: single nucleotide variant.
Coding change: c.1316G>T on transcript NM_000018.4 (MANE Select); coding-DNA position 1316, G replaced by T.
Protein change: p.Gly439Val; replaces glycine 439 with valine.
Molecular consequence: missense variant.
Genome position (GRCh38, 1-based): chr17:7,223,859, G>T. VCF-style: chr17-7223859-G-T. GRCh37 (hg19) VCF-style: chr17-7127178-G-T.
Other names: c.1250G>T, p.Gly417Val (NM_001033859.3); c.1385G>T, p.Gly462Val (NM_001270447.2); c.1088G>T, p.Gly363Val (NM_001270448.2); short protein forms G417V, G462V, G439V, G363V.
Identifiers: ClinVar variation 954022 (VCV000954022.9), dbSNP rs533055438, ClinGen allele CA397724852.

ClinVar aggregate classification (germline): Likely pathogenic (1 of 4 stars; one submission).

Conditions:
Very long chain acyl-CoA dehydrogenase deficiency (ACADVLD). Also called: VLCAD Deficiency; Very Long-Chain Acyl-Coenzyme A Dehydrogenase Deficiency. Identifiers: Orphanet 26793, MedGen C3887523, MONDO:0008723, OMIM 201475.

gnomAD v4.1: 2 of 1,614,086 alleles (0.00012%); highest among the groups gnomAD compares: Non-Finnish European, 0.00017%; no homozygotes.

Submission:

Labcorp Genetics (formerly Invitae), Labcorp
Classification: Likely pathogenic for Very long chain acyl-CoA dehydrogenase deficiency. Last evaluated: 2022-11-29. Review status: criteria provided, single submitter. Criteria: Invitae Variant Classification Sherloc (09022015). Collection method: clinical testing. Allele origin: germline.
Comment: ClinVar contains an entry for this variant (Variation ID: 954022). In summary, the currently available evidence indicates that the variant is pathogenic, but additional data are needed to prove that conclusively. Therefore, this variant has been classified as Likely Pathogenic. This variant disrupts the p.Gly439 amino acid residue in ACADVL. Other variant(s) that disrupt this residue have been determined to be pathogenic (PMID: 17999356, 23480858). This suggests that this residue is clinically significant, and that variants that disrupt this residue are likely to be disease-causing. Algorithms developed to predict the effect of sequence changes on RNA splicing suggest that this variant may disrupt the consensus splice site. Advanced modeling of protein sequence and biophysical properties (such as structural, functional, and spatial information, amino acid conservation, physicochemical variation, residue mobility, and thermodynamic stability) performed at Invitae indicates that this missense variant is expected to disrupt ACADVL protein function. This variant has not been reported in the literature in individuals affected with ACADVL-related conditions. This variant is not present in population databases (gnomAD no frequency). This sequence change replaces glycine, which is neutral and non-polar, with valine, which is neutral and non-polar, at codon 439 of the ACADVL protein (p.Gly439Val).

Literature cited by the submitters: PubMed 17999356; PubMed 23480858.